The following is an entry in ClinVar:

ClinVar aggregate classification (germline): Uncertain significance (1 of 4 stars; one submission).

Submission:

Labcorp Genetics (formerly Invitae), Labcorp
Classification: Uncertain significance. Last evaluated: 2022-02-24. Review status: criteria provided, single submitter. Criteria: Invitae Variant Classification Sherloc (09022015). Collection method: clinical testing. Allele origin: germline.
Comment: This sequence change replaces methionine, which is neutral and non-polar, with valine, which is neutral and non-polar, at codon 1178 of the TUBGCP6 protein (p.Met1178Val). The frequency data for this variant in the population databases is considered unreliable, as metrics indicate poor data quality at this position in the gnomAD database. This variant has not been reported in the literature in individuals affected with TUBGCP6-related conditions. Algorithms developed to predict the effect of missense changes on protein structure and function output the following: SIFT: "Deleterious"; PolyPhen-2: "Benign"; Align-GVGD: "Class C0". The valine amino acid residue is found in multiple mammalian species, which suggests that this missense change does not adversely affect protein function. In summary, the available evidence is currently insufficient to determine the role of this variant in disease. Therefore, it has been classified as a Variant of Uncertain Significance.

NM_020461.4(TUBGCP6):c.3532A>G (p.Met1178Val)

Gene: TUBGCP6 (tubulin gamma complex component 6; minus strand). Cytogenetic location: 22q13.33.
Variant type: single nucleotide variant.
Coding change: c.3532A>G on transcript NM_020461.4 (MANE Select); coding-DNA position 3532, A replaced by G.
Protein change: p.Met1178Val; replaces methionine 1178 with valine.
Molecular consequence: missense variant.
Genome position (GRCh38, 1-based): chr22:50,220,827, T>C on the plus strand (A>G on the coding strand, the complement: TUBGCP6 is on the minus strand). VCF-style: chr22-50220827-T-C. GRCh37 (hg19) VCF-style: chr22-50659256-T-C.
Other names: short protein forms M1178V.
Identifiers: ClinVar variation 2182901 (VCV002182901.1), dbSNP rs1215314321, ClinGen allele CA412181918.